The following is an entry in ClinVar:

NM_015365.3(AMMECR1):c.127G>A (p.Glu43Lys)

Gene: AMMECR1 (AMMECR nuclear protein 1; minus strand). Cytogenetic location: Xq23.
Variant type: single nucleotide variant.
Coding change: c.127G>A on transcript NM_015365.3 (MANE Select); coding-DNA position 127, G replaced by A.
Protein change: p.Glu43Lys; replaces glutamic acid 43 with lysine.
Molecular consequence: missense variant. On other transcripts: intron variant (1).
Genome position (GRCh38, 1-based): chrX:110,317,945, C>T on the plus strand (G>A on the coding strand, the complement: AMMECR1 is on the minus strand). VCF-style: chrX-110317945-C-T. GRCh37 (hg19) VCF-style: chrX-109561173-C-T.
Other names: c.127G>A, p.Glu43Lys (NM_001025580.2); c.-147-96G>A (NM_001171689.2); short protein forms E43K.
Identifiers: ClinVar variation 1710539 (VCV001710539.3), dbSNP rs2068060086, ClinGen allele CA414223721.

ClinVar aggregate classification (germline): Uncertain significance (1 of 4 stars; one submission).

Submission:

GeneDx
Classification: Uncertain significance. Last evaluated: 2025-12-22. Review status: criteria provided, single submitter. Criteria: GeneDx Variant Classification Process June 2021. Collection method: clinical testing. Allele origin: germline. Affected: yes.
Comment: Not observed at significant frequency in large population cohorts (gnomAD); In silico analysis suggests that this missense variant does not alter protein structure/function; Has not been previously published as pathogenic or benign to our knowledge